The following is an entry in ClinVar:

NM_001005242.3(PKP2):c.2014-12C>G

Gene: PKP2 (plakophilin 2; minus strand). Cytogenetic location: 12p11.21.
Variant type: single nucleotide variant.
Coding change: c.2014-12C>G on transcript NM_001005242.3 (MANE Select); 12 bases into the intron before coding-DNA position 2014, C replaced by G.
Molecular consequence: intron variant.
Genome position (GRCh38, 1-based): chr12:32,802,568, G>C on the plus strand (C>G on the coding strand, the complement: PKP2 is on the minus strand). VCF-style: chr12-32802568-G-C. GRCh37 (hg19) VCF-style: chr12-32955502-G-C.
Other names: c.2146-12C>G (NM_004572.4).
Identifiers: ClinVar variation 928409 (VCV000928409.9), dbSNP rs990954323, ClinGen allele CA235222922.

ClinVar aggregate classification (germline): Conflicting classifications of pathogenicity. Review status: criteria provided, conflicting classifications (1 of 4 stars). 3 submissions from 3 submitters: Uncertain significance (1); Likely benign (2). Last evaluated 2026-01-20.

Conditions:
Arrhythmogenic right ventricular dysplasia 9 (ARVD9). Also called: Arrhythmogenic Right Ventricular Dysplasia/Cardiomyopathy 9; ARRHYTHMOGENIC RIGHT VENTRICULAR DYSPLASIA, FAMILIAL, 9. Identifiers: MedGen C1836906, MONDO:0012180, OMIM 609040.
Cardiomyopathy (CMYO). Also called: Cardiomyopathies. Identifiers: Orphanet 167848, MedGen C0878544, MONDO:0004994, HP:0001638. Inheritance: Various modes of inheritance.

Allele frequency attached by ClinVar (database versions not stated): gnomAD exomes 0.00001; TOPMed 0.00001.
gnomAD v4.1: 6 of 1,612,706 alleles (0.00037%); highest among the groups gnomAD compares: Non-Finnish European, 0.00051%; no homozygotes.

Submissions (3):

Labcorp Genetics (formerly Invitae), Labcorp
Classification: Likely benign for Arrhythmogenic right ventricular dysplasia 9. Last evaluated: 2026-01-20. Review status: criteria provided, single submitter. Criteria: Invitae Variant Classification Sherloc (09022015). Collection method: clinical testing. Allele origin: germline.

Color Diagnostics, LLC DBA Color Health
Classification: Uncertain significance for Cardiomyopathy. Last evaluated: 2023-11-06. Review status: criteria provided, single submitter. Criteria: ACMG Guidelines, 2015. Collection method: clinical testing. Allele origin: germline.
Comment: This variant causes a C to G nucleotide substitution at the -12 position of intron 10 of the PKP2 gene. To our knowledge, functional studies have not been reported for this variant. This variant has not been reported in individuals affected with PKP2-related disorders in the literature. This variant has been identified in 3/251188 chromosomes in the general population by the Genome Aggregation Database (gnomAD). The available evidence is insufficient to determine the role of this variant in disease conclusively. Therefore, this variant is classified as a Variant of Uncertain Significance.

Blueprint Genetics
Classification: Likely benign. Last evaluated: 2020-03-24. Review status: criteria provided, single submitter. Criteria: ACMG Guidelines, 2015. Collection method: clinical testing. Allele origin: germline.